The following is an entry in ClinVar:

ClinVar aggregate classification (germline): Conflicting classifications of pathogenicity. Review status: criteria provided, conflicting classifications (1 of 4 stars). 7 submissions from 5 submitters: Uncertain significance (3); Likely benign (4). Last evaluated 2025-12-20.

Conditions:
RYR1-related disorder. Also called: RYR1-related condition; RYR1-related disorders. Identifiers: MedGen CN239331.
Congenital multicore myopathy with external ophthalmoplegia (CMYO1B). Also called: Minicore myopathy with external ophthalmoplegia; MULTIMINICORE DISEASE WITH EXTERNAL OPHTHALMOPLEGIA; MULTICORE MYOPATHY; Congenital myopathy 1B, autosomal recessive; Minicore myopathy. Identifiers: Orphanet 598, Orphanet 98905, MedGen C1850674, MONDO:0009712, OMIM 255320, HP:0003789.
Malignant hyperthermia, susceptibility to, 1 (MHS1). Also called: Malignant hyperthermia suceptibility 1; Anesthesia related hyperthermia; Malignant hyperpyrexia; Fulminating hyperpyrexia; Pharmacogenic myopathy; RYR1-Related Malignant Hyperthermia Susceptibility. Identifiers: Orphanet 423, MedGen C2930980, MONDO:0007783, OMIM 145600.
Central core myopathy (CMYO1A). Also called: CONGENITAL MYOPATHY 1A, AUTOSOMAL DOMINANT, WITH SUSCEPTIBILITY TO MALIGNANT HYPERTHERMIA; Central core disease; Myopathy, central fibrillar. Identifiers: Orphanet 597, MedGen C5830701, MONDO:0007294, OMIM 117000.

Allele frequency attached by ClinVar (database versions not stated): gnomAD 0.00002; gnomAD exomes 0.00005 and 0.00014; ExAC 0.00006; TOPMed 0.00007.
gnomAD v4.1: 190 of 1,546,458 alleles (0.012%); highest among the groups gnomAD compares: Non-Finnish European, 0.016%; no homozygotes.

Submissions (7):

Labcorp Genetics (formerly Invitae), Labcorp
Classification: Likely benign for RYR1-related disorder. Last evaluated: 2025-12-20. Review status: criteria provided, single submitter. Criteria: Invitae Variant Classification Sherloc (09022015). Collection method: clinical testing. Allele origin: germline.

Women's Health and Genetics/Laboratory Corporation of America, LabCorp
Classification: Likely benign. Last evaluated: 2023-12-08. Review status: criteria provided, single submitter. Criteria: LabCorp Variant Classification Summary - May 2015. Collection method: clinical testing. Allele origin: germline.
Comment: Variant summary: RYR1 c.9555-14G>A alters a non-conserved nucleotide located at a position not widely known to affect splicing. Consensus agreement among computation tools predict no significant impact on normal splicing. However, these predictions have yet to be confirmed by functional studies. The variant allele was found at a frequency of 5.2e-05 in 152766 control chromosomes. The available data on variant occurrences in the general population are insufficient to allow any conclusion about variant significance. To our knowledge, no occurrence of c.9555-14G>A in individuals affected with Myopathy, RYR1-Associated and no experimental evidence demonstrating its impact on protein function have been reported. Two submitters have cited clinical-significance assessments for this variant to ClinVar after 2014. One submitter classified the variant as likely benign, and one submitter classified the variant as uncertain significance. Based on the evidence outlined above, the variant was classified as likely benign.

Blueprint Genetics
Classification: Likely benign. Last evaluated: 2023-02-15. Review status: criteria provided, single submitter. Criteria: ACMG Guidelines, 2015. Collection method: clinical testing. Allele origin: germline.

Color Diagnostics, LLC DBA Color Health
Classification: Likely benign for Malignant hyperthermia, susceptibility to, 1. Last evaluated: 2022-10-24. Review status: criteria provided, single submitter. Criteria: ACMG Guidelines, 2015. Collection method: clinical testing. Allele origin: germline.

Illumina Laboratory Services, Illumina
Classification: Uncertain significance for Congenital multicore myopathy with external ophthalmoplegia. Last evaluated: 2018-01-12. Review status: criteria provided, single submitter. Criteria: ICSL Variant Classification Criteria 13 December 2019. Collection method: clinical testing. Allele origin: germline.

Illumina Laboratory Services, Illumina
Classification: Uncertain significance for Central core myopathy. Last evaluated: 2018-01-12. Review status: criteria provided, single submitter. Criteria: ICSL Variant Classification Criteria 13 December 2019. Collection method: clinical testing. Allele origin: germline.

Illumina Laboratory Services, Illumina
Classification: Uncertain significance for Malignant hyperthermia, susceptibility to, 1. Last evaluated: 2018-01-12. Review status: criteria provided, single submitter. Criteria: ICSL Variant Classification Criteria 13 December 2019. Collection method: clinical testing. Allele origin: germline.

NM_000540.3(RYR1):c.9555-14G>A

Gene: RYR1 (ryanodine receptor 1; plus strand). Cytogenetic location: 19q13.2.
Variant type: single nucleotide variant.
Coding change: c.9555-14G>A on transcript NM_000540.3 (MANE Select); 14 bases into the intron before coding-DNA position 9555, G replaced by A.
Molecular consequence: intron variant.
Genome position (GRCh38, 1-based): chr19:38,516,073, G>A. VCF-style: chr19-38516073-G-A. GRCh37 (hg19) VCF-style: chr19-39006713-G-A.
Other names: c.9555-14G>A (NM_001042723.2).
Identifiers: ClinVar variation 891195 (VCV000891195.14), dbSNP rs763353979, ClinGen allele CA073800.